The following is an entry in ClinVar:

NM_005228.5(EGFR):c.2689G>A (p.Val897Ile)

Gene: EGFR (epidermal growth factor receptor; plus strand). Cytogenetic location: 7p11.2.
Variant type: single nucleotide variant.
Coding change: c.2689G>A on transcript NM_005228.5 (MANE Select); coding-DNA position 2689, G replaced by A.
Protein change: p.Val897Ile; replaces valine 897 with isoleucine.
Molecular consequence: missense variant.
Genome position (GRCh38, 1-based): chr7:55,192,829, G>A. VCF-style: chr7-55192829-G-A. GRCh37 (hg19) VCF-style: chr7-55260522-G-A.
Other names: c.2554G>A, p.Val852Ile (NM_001346897.2, NM_001346899.2); c.2689G>A, p.Val897Ile (NM_001346898.2); c.2530G>A, p.Val844Ile (NM_001346900.2); c.1888G>A, p.Val630Ile (NM_001346941.2); short protein forms V852I, V897I, V844I, V630I.
Identifiers: ClinVar variation 3675629 (VCV003675629.2).

ClinVar aggregate classification (germline): Uncertain significance (1 of 4 stars; one submission).

Conditions:
EGFR-related lung cancer (EGFR). Identifiers: MedGen CN130014.

gnomAD v4.1: 4 of 1,614,200 alleles (0.00025%); highest among the groups gnomAD compares: Non-Finnish European, 0.00034%; no homozygotes.

Submission:

Labcorp Genetics (formerly Invitae), Labcorp
Classification: Uncertain significance for EGFR-related lung cancer. Last evaluated: 2024-08-31. Review status: criteria provided, single submitter. Criteria: Invitae Variant Classification Sherloc (09022015). Collection method: clinical testing. Allele origin: germline.
Comment: This sequence change replaces valine, which is neutral and non-polar, with isoleucine, which is neutral and non-polar, at codon 897 of the EGFR protein (p.Val897Ile). This variant is present in population databases (no rsID available, gnomAD 0.0009%). This variant has not been reported in the literature in individuals affected with EGFR-related conditions. Invitae Evidence Modeling of protein sequence and biophysical properties (such as structural, functional, and spatial information, amino acid conservation, physicochemical variation, residue mobility, and thermodynamic stability) has been performed for this missense variant. However, the output from this modeling did not meet the statistical confidence thresholds required to predict the impact of this variant on EGFR protein function. In summary, the available evidence is currently insufficient to determine the role of this variant in disease. Therefore, it has been classified as a Variant of Uncertain Significance.